The following is an entry in ClinVar:

ClinVar aggregate classification (germline): Uncertain significance. Review status: criteria provided, multiple submitters, no conflicts (2 of 4 stars). 2 submissions from 2 submitters: Uncertain significance (2). Last evaluated 2026-03-12.

Conditions:
Recessive dystrophic epidermolysis bullosa (RDEB). Also called: Recessive DEB (RDEB); Hallopeau-Siemens Disease; severe generalized recessive dystrophic epidermolysis bullosa; DYSTROPHIC EPIDERMOLYSIS BULLOSA, AUTOSOMAL RECESSIVE; EPIDERMOLYSIS BULLOSA DYSTROPHICA, HALLOPEAU-SIEMENS TYPE; epidermolysis bullosa dystrophica, autosomal recessive. Identifiers: Orphanet 79408, Orphanet 79409, MedGen C0079474, MONDO:0009179, OMIM 226600.

Submissions (2):

Myriad Genetics, Inc.
Classification: Uncertain significance for Recessive dystrophic epidermolysis bullosa. Last evaluated: 2026-03-12. Review status: criteria provided, single submitter. Criteria: Myriad Autosomal Dominant, Autosomal Recessive and X-Linked Classification Criteria (2023). Collection method: clinical testing. Allele origin: unknown.
Comment: NM_000094.3(COL7A1):c.3479_3496del18(V1160_V1165del) is an in-frame deletion classified as a variant of uncertain significance in the context of dystrophic epidermolysis bullosa. V1160_V1165del has not been observed in cases with relevant disease. Relevant functional assessments of this variant are not available in the literature. V1160_V1165del has not been observed in referenced population frequency databases. In summary, there is insufficient evidence to classify NM_000094.3(COL7A1):c.3479_3496del18(V1160_V1165del) as pathogenic or benign. Please note: this variant was assessed in the context of healthy population screening.

Labcorp Genetics (formerly Invitae), Labcorp
Classification: Uncertain significance. Last evaluated: 2025-06-16. Review status: criteria provided, single submitter. Criteria: Invitae Variant Classification Sherloc (09022015). Collection method: clinical testing. Allele origin: germline.
Comment: This variant, c.3479_3496del, results in the deletion of 6 amino acid(s) of the COL7A1 protein (p.Val1160_Val1165del), but otherwise preserves the integrity of the reading frame. This variant is not present in population databases (gnomAD no frequency). This variant has not been reported in the literature in individuals affected with COL7A1-related conditions. ClinVar contains an entry for this variant (Variation ID: 1987080). Experimental studies and prediction algorithms are not available or were not evaluated, and the functional significance of this variant is currently unknown. In summary, the available evidence is currently insufficient to determine the role of this variant in disease. Therefore, it has been classified as a Variant of Uncertain Significance.

NM_000094.4(COL7A1):c.3479_3496del (p.Val1160_Val1165del)

Gene: COL7A1 (collagen type VII alpha 1 chain; minus strand). Cytogenetic location: 3p21.31.
Variant type: Deletion.
Coding change: c.3479_3496del on transcript NM_000094.4 (MANE Select); coding-DNA positions 3479 to 3496, 18 bases deleted (TGATGGTTCTGCTAGTGG).
Protein change: p.Val1160_Val1165del.
Molecular consequence: inframe deletion.
Genome position (GRCh38, 1-based): chr3:48,586,386-48,586,403, CCACTAGCAGAACCATCA deleted on the plus strand (TGATGGTTCTGCTAGTGG on the coding strand, the reverse complement: COL7A1 is on the minus strand); deleting any 18 consecutive bases within chr3:48,586,386-48,586,405 gives the same sequence; the c. name uses the placement nearest the transcript's 3' end. VCF-style (leftmost placement, unchanged base first): chr3-48586385-TCCACTAGCAGAACCATCA-T. GRCh37 (hg19) VCF-style: chr3-48623818-TCCACTAGCAGAACCATCA-T.
Identifiers: ClinVar variation 1987080 (VCV001987080.5), dbSNP rs2531208482, ClinGen allele CA2580069917.